The following is an entry in ClinVar:

NM_005502.4(ABCA1):c.778A>G (p.Thr260Ala)

Gene: ABCA1 (ATP binding cassette subfamily A member 1; minus strand). Cytogenetic location: 9q31.1.
Variant type: single nucleotide variant.
Coding change: c.778A>G on transcript NM_005502.4 (MANE Select); coding-DNA position 778, A replaced by G.
Protein change: p.Thr260Ala; replaces threonine 260 with alanine.
Molecular consequence: missense variant.
Genome position (GRCh38, 1-based): chr9:104,845,512, T>C on the plus strand (A>G on the coding strand, the complement: ABCA1 is on the minus strand). VCF-style: chr9-104845512-T-C. GRCh37 (hg19) VCF-style: chr9-107607793-T-C.
Other names: short protein forms T260A.
Identifiers: ClinVar variation 2232112 (VCV002232112.2), dbSNP rs778741247, ClinGen allele CA5169217.

ClinVar aggregate classification (germline): Uncertain significance (1 of 4 stars; one submission).

Conditions:
Cardiovascular phenotype. Identifiers: MedGen CN230736.

Allele frequency attached by ClinVar (database versions not stated): gnomAD 0.00001; TOPMed 0.00002.
gnomAD v4.1: 4 of 1,613,852 alleles (0.00025%); highest among the groups gnomAD compares: Admixed American, 0.0017%; no homozygotes.

Submission:

Ambry Genetics
Classification: Uncertain significance for Cardiovascular phenotype. Last evaluated: 2023-05-18. Review status: criteria provided, single submitter. Criteria: Ambry Variant Classification Scheme 2023. Collection method: clinical testing. Allele origin: germline.
Comment: The p.T260A variant (also known as c.778A>G), located in coding exon 7 of the ABCA1 gene, results from an A to G substitution at nucleotide position 778. The threonine at codon 260 is replaced by alanine, an amino acid with similar properties. This amino acid position is conserved. In addition, this alteration is predicted to be tolerated by in silico analysis. Since supporting evidence is limited at this time, the clinical significance of this alteration remains unclear.